The following is an entry in ClinVar:

ClinVar aggregate classification (germline): Pathogenic/Likely pathogenic. Review status: criteria provided, multiple submitters, no conflicts (2 of 4 stars). 6 submissions from 6 submitters: Pathogenic (3); Likely pathogenic (2). 1 of the submissions does not count toward it. Last evaluated 2025-07-21.

Conditions:
VPS13B-related disorder. Also called: VPS13B-related condition.
Cohen syndrome (COH1). Also called: PEPPER SYNDROME; Cutis verticis gyrata, retinitis pigmentosa, and sensorineural deafness. Identifiers: Orphanet 193, MedGen C0265223, MONDO:0008999, OMIM 216550.

Allele frequency attached by ClinVar (database versions not stated): TOPMed below 0.00001; gnomAD 0.00001; ExAC 0.00002.
gnomAD v4.1: 14 of 1,613,782 alleles (0.00087%); highest among the groups gnomAD compares: Non-Finnish European, 0.0012%; no homozygotes.

Submissions (6):

Labcorp Genetics (formerly Invitae), Labcorp
Classification: Pathogenic for Cohen syndrome. Last evaluated: 2025-07-21. Review status: criteria provided, single submitter. Criteria: Invitae Variant Classification Sherloc (09022015). Collection method: clinical testing. Allele origin: germline.
Comment: This sequence change creates a premature translational stop signal (p.Trp2824*) in the VPS13B gene. It is expected to result in an absent or disrupted protein product. Loss-of-function variants in VPS13B are known to be pathogenic (PMID: 15141358, 16648375, 20461111). This variant is present in population databases (rs386834112, gnomAD 0.002%). This premature translational stop signal has been observed in individual(s) with VPS13B-related conditions (PMID: 12730828). ClinVar contains an entry for this variant (Variation ID: 56693). For these reasons, this variant has been classified as Pathogenic.

Natera, Inc.
Classification: Likely pathogenic for Cohen syndrome. Last evaluated: 2024-03-08. Review status: criteria provided, single submitter. Criteria: Natera Variant Classification Schema (03/2026). Collection method: clinical testing. Allele origin: germline.
Comment: The c.8472G>A variant in VPS13B is a nonsense variant predicted to introduce a stop codon at amino acid 2824. This variant is expected to result in nonsense mediated decay, truncation, or a dysfunctional protein product. This variant is rare in the general population with a frequency below the threshold expected for the associated phenotype(s). Given the available evidence, this variant is classified as Likely Pathogenic.

Victorian Clinical Genetics Services, Murdoch Childrens Research Institute
Classification: Pathogenic for Cohen syndrome. Last evaluated: 2023-12-21. Review status: criteria provided, single submitter. Criteria: ACMG Guidelines, 2015. Collection method: clinical testing. Allele origin: germline. Inheritance: Autosomal recessive inheritance. Affected: yes.
Comment: Based on the classification scheme VCGS_Germline_v1.3.4, this variant is classified as Pathogenic. Following criteria are met: 0102 - Loss of function is a known mechanism of disease in this gene and is associated with Cohen syndrome (MIM#216550). (I) 0106 - This gene is associated with autosomal recessive disease. (I) 0201 - Variant is predicted to cause nonsense-mediated decay (NMD) and loss of protein (premature termination codon is located at least 54 nucleotides upstream of the final exon-exon junction). (SP) 0251 - This variant is heterozygous. (I) 0304 - Variant is present in gnomAD <0.01 for a recessive condition (2 heterozygotes, 0 homozygotes). (SP) 0701 - Other NMD predicted variants comparable to the one identified in this case have very strong previous evidence for pathogenicity (DECIPHER). (SP) 0803 - This variant has limited previous evidence of pathogenicity in unrelated individuals. This variant has been classified as pathogenic or likely pathogenic by clinical laboratories in ClinVar, and has been observed as a single hit in an individual with Cohen syndrome (PMID: 12730828). (SP) 0905 - No published segregation evidence has been identified for this variant. (I) 1007 - No published functional evidence has been identified for this variant. (I) Legend: (SP) - Supporting pathogenic, (I) - Information, (SB) - Supporting benign

GeneDx
Classification: Pathogenic. Last evaluated: 2023-05-04. Review status: criteria provided, single submitter. Criteria: GeneDx Variant Classification Process June 2021. Collection method: clinical testing. Allele origin: germline. Affected: yes.
Comment: Identified in the single heterozygous state in a patient with Cohen syndrome, however, a second variant was not identified, and no other genes were sequenced to rule out other etiologies (Kolehmainen et al., 2003); Nonsense variant predicted to result in protein truncation or nonsense mediated decay in a gene for which loss-of-function is a known mechanism of disease; Not observed at a significant frequency in large population cohorts (gnomAD); This variant is associated with the following publications: (PMID: 25525159, 12730828)

Blueprint Genetics
Classification: Likely pathogenic for VPS13B-related disorders. Last evaluated: 2020-07-21. Review status: criteria provided, single submitter. Criteria: ACMG Guidelines, 2015. Collection method: clinical testing. Allele origin: germline. Affected: yes. Observed: 1 variant allele.

Juha Muilu Group; Institute for Molecular Medicine Finland (FIMM)
Classification: Likely pathogenic for Cohen syndrome. Review status: no assertion criteria provided. Collection method: not provided. Allele origin: unknown. Not counted in ClinVar's aggregate classification.
Comment: FinDis database variant: This variant was not found or characterized by our laboratory, data were collected from public sources: see reference
ClinVar note: Converted during submission from probable-pathogenic to Likely pathogenic.

Literature cited by the submitters: PubMed 15141358 (cited by Labcorp Genetics (formerly Invitae), Labcorp); PubMed 16648375 (cited by Labcorp Genetics (formerly Invitae), Labcorp); PubMed 20461111 (cited by Labcorp Genetics (formerly Invitae), Labcorp); PubMed 12730828 (cited by Labcorp Genetics (formerly Invitae), Labcorp and Victorian Clinical Genetics Services, Murdoch Childrens Research Institute).

NM_152564.5(VPS13B):c.8397G>A (p.Trp2799Ter)

Gene: VPS13B (vacuolar protein sorting 13 homolog B; plus strand). Cytogenetic location: 8q22.2.
Variant type: single nucleotide variant.
Coding change: c.8397G>A on transcript NM_152564.5 (MANE Select); coding-DNA position 8397, G replaced by A.
Protein change: p.Trp2799Ter; replaces tryptophan 2799 with a stop codon.
Molecular consequence: nonsense.
Genome position (GRCh38, 1-based): chr8:99,818,486, G>A. VCF-style: chr8-99818486-G-A. GRCh37 (hg19) VCF-style: chr8-100830714-G-A.
Other names: c.8472G>A, p.Trp2824Ter (NM_017890.5); c.8397G>A (NM_152564.4); short protein forms W2824*, W2799*.
Identifiers: ClinVar variation 56693 (VCV000056693.13), dbSNP rs386834112, ClinGen allele CA264138.
Genomic context (GRCh38, chr8:99,818,486, plus strand): 5'-GGACCCTTTGCTATTTCATGTGCAGGTGCCATCTTCAAACAGTTCCATTATTTATGTCTG[G>A]TGCACAGTTTTGACTTTAGAACCCAACTCTCAAGTGCAACAACGAATGGTGAGTGCTTTC-3'